The following is an entry in ClinVar:

ClinVar aggregate classification (germline): Uncertain significance (1 of 4 stars; one submission).

gnomAD v4.1: 12 of 1,521,990 alleles (0.00079%); highest among the groups gnomAD compares: Middle Eastern, 0.017%; 1 homozygote.

Submission:

Labcorp Genetics (formerly Invitae), Labcorp
Classification: Uncertain significance. Last evaluated: 2024-08-31. Review status: criteria provided, single submitter. Criteria: Invitae Variant Classification Sherloc (09022015). Collection method: clinical testing. Allele origin: germline.
Comment: This sequence change replaces asparagine, which is neutral and polar, with serine, which is neutral and polar, at codon 347 of the TCF3 protein (p.Asn347Ser). The frequency data for this variant in the population databases is considered unreliable, as metrics indicate poor data quality at this position in the gnomAD database. This variant has not been reported in the literature in individuals affected with TCF3-related conditions. Invitae Evidence Modeling of protein sequence and biophysical properties (such as structural, functional, and spatial information, amino acid conservation, physicochemical variation, residue mobility, and thermodynamic stability) indicates that this missense variant is not expected to disrupt TCF3 protein function with a negative predictive value of 80%. In summary, the available evidence is currently insufficient to determine the role of this variant in disease. Therefore, it has been classified as a Variant of Uncertain Significance.

NM_003200.5(TCF3):c.1040A>G (p.Asn347Ser)

Gene: TCF3 (transcription factor 3; minus strand). Cytogenetic location: 19p13.3.
Variant type: single nucleotide variant.
Coding change: c.1040A>G on transcript NM_003200.5 (MANE Select); coding-DNA position 1040, A replaced by G.
Protein change: p.Asn347Ser; replaces asparagine 347 with serine.
Molecular consequence: missense variant.
Genome position (GRCh38, 1-based): chr19:1,621,021, T>C on the plus strand (A>G on the coding strand, the complement: TCF3 is on the minus strand). VCF-style: chr19-1621021-T-C. GRCh37 (hg19) VCF-style: chr19-1621020-T-C.
Other names: c.1040A>G, p.Asn347Ser (NM_001136139.4, NM_001351778.2, NM_001351779.2); short protein forms N347S.
Identifiers: ClinVar variation 3607936 (VCV003607936.2).